The following is an entry in ClinVar:

ClinVar aggregate classification (germline): Uncertain significance. Review status: criteria provided, multiple submitters, no conflicts (2 of 4 stars). 4 submissions from 4 submitters: Uncertain significance (3). 1 of the submissions does not count toward it. Last evaluated 2026-01-01.

Conditions:
Inborn genetic diseases. Identifiers: MedGen C0950123, MeSH D030342.
Hereditary insensitivity to pain with anhidrosis (CIPA). Also called: HSAN Type IV; NTRK1 Congenital Insensitivity to Pain with Anhidrosis; FAMILIAL DYSAUTONOMIA, TYPE II; NEUROPATHY, CONGENITAL SENSORY, WITH ANHIDROSIS; INSENSITIVITY TO PAIN, CONGENITAL, WITH ANHIDROSIS; hereditary sensory and autonomic neuropathy type 4. Identifiers: Orphanet 642, MedGen C0020074, MONDO:0009746, OMIM 256800.

Allele frequency attached by ClinVar (database versions not stated): gnomAD 0.00001; ExAC 0.00002; gnomAD exomes 0.00002; TOPMed 0.00002.
gnomAD v4.1: 29 of 1,614,038 alleles (0.0018%); highest among the groups gnomAD compares: Non-Finnish European, 0.0023%; no homozygotes.

Submissions (4):

CeGaT Center for Human Genetics Tuebingen
Classification: Uncertain significance. Last evaluated: 2026-01-01. Review status: criteria provided, single submitter. Criteria: CeGaT Center For Human Genetics Tuebingen Variant Classification Criteria Version 2. Collection method: clinical testing. Allele origin: germline. Affected: yes. Observed: 1 variant allele.
Comment: NTRK1: PM2

Ambry Genetics
Classification: Uncertain significance for Inborn genetic diseases. Last evaluated: 2023-09-28. Review status: criteria provided, single submitter. Criteria: Ambry Variant Classification Scheme 2023. Collection method: clinical testing. Allele origin: germline.

Labcorp Genetics (formerly Invitae), Labcorp
Classification: Uncertain significance for Hereditary insensitivity to pain with anhidrosis. Last evaluated: 2021-08-27. Review status: criteria provided, single submitter. Criteria: Invitae Variant Classification Sherloc (09022015). Collection method: clinical testing. Allele origin: germline.
Comment: This sequence change replaces aspartic acid with tyrosine at codon 86 of the NTRK1 protein (p.Asp86Tyr). The aspartic acid residue is highly conserved and there is a large physicochemical difference between aspartic acid and tyrosine. This variant is present in population databases (rs774266965, ExAC 0.005%). This variant has not been reported in the literature in individuals affected with NTRK1-related conditions. Algorithms developed to predict the effect of missense changes on protein structure and function are either unavailable or do not agree on the potential impact of this missense change (SIFT: "Deleterious"; PolyPhen-2: "Possibly Damaging"; Align-GVGD: "Class C0"). In summary, the available evidence is currently insufficient to determine the role of this variant in disease. Therefore, it has been classified as a Variant of Uncertain Significance.

Natera, Inc.
Classification: Uncertain significance for Hereditary insensitivity to pain with anhidrosis. Last evaluated: 2021-02-11. Review status: no assertion criteria provided. Collection method: clinical testing. Allele origin: germline. Not counted in ClinVar's aggregate classification.

NM_002529.4(NTRK1):c.256G>T (p.Asp86Tyr)

Gene: NTRK1 (neurotrophic receptor tyrosine kinase 1; plus strand). Cytogenetic location: 1q23.1.
Variant type: single nucleotide variant.
Coding change: c.256G>T on transcript NM_002529.4 (MANE Select); coding-DNA position 256, G replaced by T.
Protein change: p.Asp86Tyr; replaces aspartic acid 86 with tyrosine.
Molecular consequence: missense variant.
Genome position (GRCh38, 1-based): chr1:156,864,397, G>T. VCF-style: chr1-156864397-G-T. GRCh37 (hg19) VCF-style: chr1-156834189-G-T.
Other names: c.166G>T, p.Asp56Tyr (NM_001007792.1); c.256G>T, p.Asp86Tyr (NM_001012331.2); short protein forms D56Y, D86Y.
Identifiers: ClinVar variation 965105 (VCV000965105.10), dbSNP rs774266965, ClinGen allele CA1168870.
Genomic context (GRCh38, chr1:156,864,397, plus strand): 5'-ATCCGCTCTCCCCACAGCTACATCGAGAACCAGCAGCATCTGCAGCATCTGGAGCTCCGT[G>T]ATCTGAGGGGCCTGGGGGAGCTGAGAAACCTGTGAGGGAAACGGGGACTGTGGGTGTGGA-3'
Protein context (NP_002520.2, residues 76-96): QQHLQHLELR[Asp86Tyr]LRGLGELRNL